The following is an entry in ClinVar:

ClinVar aggregate classification (germline): Uncertain significance. Review status: criteria provided, multiple submitters, no conflicts (2 of 4 stars). 2 submissions from 2 submitters: Uncertain significance (2). Last evaluated 2025-11-20.

Conditions:
Hereditary cancer-predisposing syndrome. Also called: Hereditary neoplastic syndrome; Neoplastic Syndromes, Hereditary; Tumor predisposition; Hereditary Cancer Syndrome. Identifiers: Orphanet 140162, MedGen C0027672, MeSH D009386, MONDO:0015356.
Ataxia-telangiectasia syndrome (AT). Also called: Ataxia telangiectasia (A-T); LOUIS-BAR SYNDROME; Cerebello-oculocutaneous telangiectasia; Immunodeficiency with ataxia telangiectasia; Ataxia-telangiectasia, complementation group D; AT, COMPLEMENTATION GROUP C. Identifiers: Orphanet 100, MedGen C0004135, MONDO:0008840, OMIM 208900.

Submissions (2):

Labcorp Genetics (formerly Invitae), Labcorp
Classification: Uncertain significance for Ataxia-telangiectasia syndrome. Last evaluated: 2025-11-20. Review status: criteria provided, single submitter. Criteria: Invitae Variant Classification Sherloc (09022015). Collection method: clinical testing. Allele origin: germline.
Comment: This sequence change replaces phenylalanine, which is neutral and non-polar, with leucine, which is neutral and non-polar, at codon 3049 of the ATM protein (p.Phe3049Leu). This variant is not present in population databases (gnomAD no frequency). This variant has not been reported in the literature in individuals affected with ATM-related conditions. ClinVar contains an entry for this variant (Variation ID: 1765949). Invitae Evidence Modeling of protein sequence and biophysical properties (such as structural, functional, and spatial information, amino acid conservation, physicochemical variation, residue mobility, and thermodynamic stability) has been performed for this missense variant. However, the output from this modeling did not meet the statistical confidence thresholds required to predict the impact of this variant on ATM protein function. In summary, the available evidence is currently insufficient to determine the role of this variant in disease. Therefore, it has been classified as a Variant of Uncertain Significance.

Ambry Genetics
Classification: Uncertain significance for Hereditary cancer-predisposing syndrome. Last evaluated: 2021-08-15. Review status: criteria provided, single submitter. Criteria: Ambry Variant Classification Scheme 2023. Collection method: clinical testing. Allele origin: germline.
Comment: The p.F3049L variant (also known as c.9145T>C), located in coding exon 62 of the ATM gene, results from a T to C substitution at nucleotide position 9145. The phenylalanine at codon 3049 is replaced by leucine, an amino acid with highly similar properties. This amino acid position is conserved. In addition, this alteration is predicted to be deleterious by in silico analysis. Since supporting evidence is limited at this time, the clinical significance of this alteration remains unclear.

NM_000051.4(ATM):c.9145T>C (p.Phe3049Leu)

Genes: ATM (ATM serine/threonine kinase; plus strand), C11orf65 (chromosome 11 open reading frame 65; minus strand). Cytogenetic location: 11q22.3.
Variant type: single nucleotide variant.
Coding change: c.9145T>C on transcript NM_000051.4 (MANE Select); coding-DNA position 9145, T replaced by C.
Protein change: p.Phe3049Leu; replaces phenylalanine 3049 with leucine.
Molecular consequence: missense variant. On other transcripts: intron variant (2).
Genome position (GRCh38, 1-based): chr11:108,365,482, T>C. VCF-style: chr11-108365482-T-C. GRCh37 (hg19) VCF-style: chr11-108236209-T-C.
Other names: c.9145T>C, p.Phe3049Leu (NM_001351834.2); c.640+20438A>G (NM_001330368.2); c.694+20438A>G (NM_001351110.2); short protein forms F3049L.
Identifiers: ClinVar variation 1765949 (VCV001765949.5), dbSNP rs1591388288, ClinGen allele CA382532123.
Genomic context (GRCh38, chr11:108,365,482, plus strand): 5'-GGTGGACAAGTGAATTTGCTCATACAGCAGGCCATAGACCCCAAAAATCTCAGCCGACTT[T>C]TCCCAGGATGGAAAGCTTGGGTGTGATCTTCAGTATATGAATTACCCTTTCATTCAGCCT-3'
Protein context (NP_000042.3, residues 3039-3056): AIDPKNLSRL[Phe3049Leu]PGWKAWV